The following is an entry in ClinVar:

ClinVar aggregate classification (germline): Uncertain significance (1 of 4 stars; one submission).

Submission:

Labcorp Genetics (formerly Invitae), Labcorp
Classification: Uncertain significance. Last evaluated: 2022-07-25. Review status: criteria provided, single submitter. Criteria: Invitae Variant Classification Sherloc (09022015). Collection method: clinical testing. Allele origin: germline.
Comment: In summary, the available evidence is currently insufficient to determine the role of this variant in disease. Therefore, it has been classified as a Variant of Uncertain Significance. Algorithms developed to predict the effect of missense changes on protein structure and function (SIFT, PolyPhen-2, Align-GVGD) all suggest that this variant is likely to be tolerated. ClinVar contains an entry for this variant (Variation ID: 1444349). This variant has not been reported in the literature in individuals affected with TNK2-related conditions. This variant is not present in population databases (gnomAD no frequency). This sequence change replaces proline, which is neutral and non-polar, with arginine, which is basic and polar, at codon 776 of the TNK2 protein (p.Pro776Arg).

NM_001382273.1(TNK2):c.2138C>G (p.Pro713Arg)

Gene: TNK2 (tyrosine kinase non receptor 2; minus strand). Cytogenetic location: 3q29.
Variant type: single nucleotide variant.
Coding change: c.2138C>G on transcript NM_001382273.1 (MANE Select); coding-DNA position 2138, C replaced by G.
Protein change: p.Pro713Arg; replaces proline 713 with arginine.
Molecular consequence: missense variant. On other transcripts: non-coding transcript variant (15).
Genome position (GRCh38, 1-based): chr3:195,868,160, G>C on the plus strand (C>G on the coding strand, the complement: TNK2 is on the minus strand). VCF-style: chr3-195868160-G-C. GRCh37 (hg19) VCF-style: chr3-195595031-G-C.
Other names: c.2210C>G, p.Pro737Arg (NM_001010938.2, NM_001382272.1); c.2189C>G, p.Pro730Arg (NM_001308046.2, NM_001382271.1); c.2138C>G, p.Pro713Arg (NM_001382274.1, NM_001387716.1, NM_001387717.1 and 1 more transcripts); c.2234C>G, p.Pro745Arg (NM_001382275.1, NM_001387707.1); c.2093C>G, p.Pro698Arg (NM_001386164.1, NM_001387709.1, NM_001387710.1 and 8 more transcripts); c.2165C>G, p.Pro722Arg (NM_001387708.1, NM_001387715.1); short protein forms P737R, P745R, P722R, P730R, P698R, P713R.
Identifiers: ClinVar variation 1444349 (VCV001444349.6), dbSNP rs1200360613, ClinGen allele CA355568394.